The following is an entry in ClinVar:

ClinVar aggregate classification (germline): Uncertain significance (1 of 4 stars; one submission).

Conditions:
Epilepsy, familial focal, with variable foci 3 (FFEVF3). Identifiers: MedGen C4310708, MONDO:0014925, OMIM 617118.

Submission:

Labcorp Genetics (formerly Invitae), Labcorp
Classification: Uncertain significance for Epilepsy, familial focal, with variable foci 3. Last evaluated: 2024-09-08. Review status: criteria provided, single submitter. Criteria: Invitae Variant Classification Sherloc (09022015). Collection method: clinical testing. Allele origin: germline.
Comment: This sequence change replaces histidine, which is basic and polar, with proline, which is neutral and non-polar, at codon 493 of the NPRL3 protein (p.His493Pro). This variant is not present in population databases (gnomAD no frequency). This variant has not been reported in the literature in individuals affected with NPRL3-related conditions. Invitae Evidence Modeling of protein sequence and biophysical properties (such as structural, functional, and spatial information, amino acid conservation, physicochemical variation, residue mobility, and thermodynamic stability) indicates that this missense variant is not expected to disrupt NPRL3 protein function with a negative predictive value of 80%. In summary, the available evidence is currently insufficient to determine the role of this variant in disease. Therefore, it has been classified as a Variant of Uncertain Significance.

NM_001077350.3(NPRL3):c.1478A>C (p.His493Pro)

Genes: HBA-LCR (alpha-globin locus control region; plus strand), NPRL3 (NPR3 like, GATOR1 complex subunit; minus strand). Cytogenetic location: 16p13.3.
Variant type: single nucleotide variant.
Coding change: c.1478A>C on transcript NM_001077350.3 (MANE Select); coding-DNA position 1478, A replaced by C.
Protein change: p.His493Pro; replaces histidine 493 with proline.
Molecular consequence: missense variant.
Genome position (GRCh38, 1-based): chr16:88,764, T>G on the plus strand (A>C on the coding strand, the complement: NPRL3 is on the minus strand). VCF-style: chr16-88764-T-G. GRCh37 (hg19) VCF-style: chr16-138763-T-G.
Other names: c.941A>C, p.His314Pro (NM_001039476.3); c.1244A>C, p.His415Pro (NM_001243247.2); c.1403A>C, p.His468Pro (NM_001243248.2, NM_001243249.2); short protein forms H314P, H468P, H493P, H415P.
Identifiers: ClinVar variation 3682886 (VCV003682886.2).